The following is an entry in ClinVar:

NM_000057.4(BLM):c.2171T>C (p.Val724Ala)

Gene: BLM (BLM RecQ like helicase; plus strand). Cytogenetic location: 15q26.1.
Variant type: single nucleotide variant.
Coding change: c.2171T>C on transcript NM_000057.4 (MANE Select); coding-DNA position 2171, T replaced by C.
Protein change: p.Val724Ala; replaces valine 724 with alanine.
Molecular consequence: missense variant.
Genome position (GRCh38, 1-based): chr15:90,765,392, T>C. VCF-style: chr15-90765392-T-C. GRCh37 (hg19) VCF-style: chr15-91308622-T-C.
Other names: c.2171T>C, p.Val724Ala (NM_001287246.2, NM_001287247.2); c.1046T>C, p.Val349Ala (NM_001287248.2); short protein forms V724A, V349A.
Identifiers: ClinVar variation 567134 (VCV000567134.16), dbSNP rs750687788, ClinGen allele CA7738671.
Genomic context (GRCh38, chr15:90,765,392, plus strand): 5'-GTGTTTCTCCTGGGGTCACTGTTGTCATTTCTCCCTTGAGATCACTTATCGTAGATCAAG[T>C]CCAAAAGCTGACTTCCTTGGATGTAAGTTATAAAAATACTAATAAAAACACGCCTTAGAA-3'
Protein context (NP_000048.1, residues 714-734): SPLRSLIVDQ[Val724Ala]QKLTSLDIPA

ClinVar aggregate classification (germline): Uncertain significance. Review status: criteria provided, multiple submitters, no conflicts (2 of 4 stars). 6 submissions from 6 submitters: Uncertain significance (5). 1 of the submissions does not count toward it. Last evaluated 2025-09-28.

Conditions:
BLM-related disorder. Also called: BLM-related condition.
Bloom syndrome (BLM). Also called: Bloom-Torre-Machacek syndrome. Identifiers: Orphanet 125, MedGen C0005859, MONDO:0008876, OMIM 210900.
Hereditary cancer-predisposing syndrome. Also called: Neoplastic Syndromes, Hereditary; Tumor predisposition; Hereditary Cancer Syndrome; Hereditary neoplastic syndrome. Identifiers: Orphanet 140162, MedGen C0027672, MeSH D009386, MONDO:0015356.

Allele frequency attached by ClinVar (database versions not stated): ExAC 0.00001; gnomAD 0.00002; gnomAD exomes 0.00002 and 0.00005; TOPMed 0.00003.
gnomAD v4.1: 87 of 1,610,124 alleles (0.0054%); highest among the groups gnomAD compares: Non-Finnish European, 0.0065%; 1 homozygote.

Submissions (6):

PreventionGenetics, part of Exact Sciences
Classification: Uncertain significance for BLM-related condition. Last evaluated: 2025-09-28. Review status: criteria provided, single submitter. Criteria: ACMG Guidelines, 2015. Collection method: clinical testing. Allele origin: germline.
Comment: The BLM c.2171T>C variant is predicted to result in the amino acid substitution p.Val724Ala. To our knowledge, this variant has not been reported in the literature. This variant is reported in 0.0039% of alleles in individuals of European (Non-Finnish) descent in gnomAD and is reported as uncertain in ClinVar (Variation ID: 567134). At this time, the clinical significance of this variant is uncertain due to the absence of conclusive functional and genetic evidence.

Labcorp Genetics (formerly Invitae), Labcorp
Classification: Uncertain significance for Bloom syndrome. Last evaluated: 2024-12-22. Review status: criteria provided, single submitter. Criteria: Invitae Variant Classification Sherloc (09022015). Collection method: clinical testing. Allele origin: germline.
Comment: This sequence change replaces valine, which is neutral and non-polar, with alanine, which is neutral and non-polar, at codon 724 of the BLM protein (p.Val724Ala). This variant is present in population databases (rs750687788, gnomAD 0.003%). This variant has not been reported in the literature in individuals affected with BLM-related conditions. ClinVar contains an entry for this variant (Variation ID: 567134). Invitae Evidence Modeling of protein sequence and biophysical properties (such as structural, functional, and spatial information, amino acid conservation, physicochemical variation, residue mobility, and thermodynamic stability) indicates that this missense variant is expected to disrupt BLM protein function with a positive predictive value of 80%. In summary, the available evidence is currently insufficient to determine the role of this variant in disease. Therefore, it has been classified as a Variant of Uncertain Significance.

Ambry Genetics
Classification: Uncertain significance for Hereditary cancer-predisposing syndrome. Last evaluated: 2024-02-02. Review status: criteria provided, single submitter. Criteria: Ambry Variant Classification Scheme 2023. Collection method: clinical testing. Allele origin: germline.
Comment: The p.V724A variant (also known as c.2171T>C), located in coding exon 8 of the BLM gene, results from a T to C substitution at nucleotide position 2171. The valine at codon 724 is replaced by alanine, an amino acid with similar properties. This amino acid position is highly conserved in available vertebrate species. In addition, the in silico prediction for this alteration is inconclusive. Based on the available evidence, the clinical significance of this alteration remains unclear.

Women's Health and Genetics/Laboratory Corporation of America, LabCorp
Classification: Uncertain significance. Last evaluated: 2023-01-19. Review status: criteria provided, single submitter. Criteria: LabCorp Variant Classification Summary - May 2015. Collection method: clinical testing. Allele origin: germline.

Sema4
Classification: Uncertain significance for Hereditary cancer-predisposing syndrome. Last evaluated: 2021-12-18. Review status: criteria provided, single submitter. Criteria: Sema4 Curation Guidelines. Collection method: curation. Allele origin: germline.
Comment: The BLM c.2171T>C (p.V724A) variant has not been reported in the literature to our knowledge. It was observed in 5/129126 chromosomes of the European (non-Finnish) subpopulation in the large and broad cohorts of the Genome Aggregation Database (PMID: 32461654). The variant has been reported in ClinVar (Variation ID 567134). Functional studies have not been performed, and in silico predictions of the variant's effect on protein function are inconclusive. The evidence is insufficient to meet ACMG/AMP criteria for classifying the variant as benign or pathogenic. Thus, the clinical significance of this variant is currently uncertain.

Natera, Inc.
Classification: Uncertain significance for Bloom syndrome. Last evaluated: 2020-09-16. Review status: no assertion criteria provided. Collection method: clinical testing. Allele origin: germline. Not counted in ClinVar's aggregate classification.